The following is an entry in ClinVar:

ClinVar aggregate classification (germline): Uncertain significance (1 of 4 stars; one submission).

Conditions:
Nephronophthisis. Also called: Juvenile Nephronophthisis. Identifiers: Orphanet 655, MedGen C0687120, MONDO:0019005, HP:0000090.

gnomAD v4.1: 1 of 1,613,244 alleles (0.000062%); highest among the groups gnomAD compares: Non-Finnish European, 0.000085%; no homozygotes.

Submission:

Labcorp Genetics (formerly Invitae), Labcorp
Classification: Uncertain significance for Nephronophthisis. Last evaluated: 2022-07-05. Review status: criteria provided, single submitter. Criteria: Invitae Variant Classification Sherloc (09022015). Collection method: clinical testing. Allele origin: germline.
Comment: This sequence change replaces glutamine, which is neutral and polar, with arginine, which is basic and polar, at codon 353 of the NPHP1 protein (p.Gln353Arg). In summary, the available evidence is currently insufficient to determine the role of this variant in disease. Therefore, it has been classified as a Variant of Uncertain Significance. Algorithms developed to predict the effect of missense changes on protein structure and function are either unavailable or do not agree on the potential impact of this missense change (SIFT: "Tolerated"; PolyPhen-2: "Probably Damaging"; Align-GVGD: "Class C0"). ClinVar contains an entry for this variant (Variation ID: 1482424). This variant has not been reported in the literature in individuals affected with NPHP1-related conditions. This variant is not present in population databases (gnomAD no frequency).

NM_001128178.3(NPHP1):c.890A>G (p.Gln297Arg)

Gene: NPHP1 (nephrocystin 1; minus strand). Cytogenetic location: 2q13.
Variant type: single nucleotide variant.
Coding change: c.890A>G on transcript NM_001128178.3 (MANE Select); coding-DNA position 890, A replaced by G.
Protein change: p.Gln297Arg; replaces glutamine 297 with arginine.
Molecular consequence: missense variant.
Genome position (GRCh38, 1-based): chr2:110,161,667, T>C on the plus strand (A>G on the coding strand, the complement: NPHP1 is on the minus strand). VCF-style: chr2-110161667-T-C. GRCh37 (hg19) VCF-style: chr2-110919244-T-C.
Other names: c.1058A>G, p.Gln353Arg (NM_000272.5); c.701A>G, p.Gln234Arg (NM_001128179.3); c.887A>G, p.Gln296Arg (NM_001374256.1); c.890A>G, p.Gln297Arg (NM_001374257.1); c.1055A>G, p.Gln352Arg (NM_207181.4); short protein forms Q352R, Q296R, Q297R, Q234R, Q353R.
Identifiers: ClinVar variation 1482424 (VCV001482424.6), dbSNP rs747172399, ClinGen allele CA348090267.